The following is an entry in ClinVar:

NM_003280.3(TNNC1):c.317+9G>A

Gene: TNNC1 (troponin C1, slow skeletal and cardiac type; minus strand). Cytogenetic location: 3p21.1.
Variant type: single nucleotide variant.
Coding change: c.317+9G>A on transcript NM_003280.3 (MANE Select); 9 bases into the intron after coding-DNA position 317, G replaced by A.
Molecular consequence: intron variant.
Genome position (GRCh38, 1-based): chr3:52,451,735, C>T on the plus strand (G>A on the coding strand, the complement: TNNC1 is on the minus strand). VCF-style: chr3-52451735-C-T. GRCh37 (hg19) VCF-style: chr3-52485751-C-T.
Other names: c.317+9G>A (LRG_378t1).
Identifiers: ClinVar variation 378738 (VCV000378738.14), dbSNP rs761287435, ClinGen allele CA2438535.

ClinVar aggregate classification (germline): Benign/Likely benign. Review status: criteria provided, multiple submitters, no conflicts (2 of 4 stars). 5 submissions from 5 submitters: Benign (1); Likely benign (3). 1 of the submissions does not count toward it. Last evaluated 2025-12-01.

Conditions:
TNNC1-related disorder. Also called: TNNC1-related condition.
Hypertrophic cardiomyopathy 13. Also called: TNNC1-Related Familial Hypertrophic Cardiomyopathy. Identifiers: MedGen C2750472, MONDO:0013195, OMIM 613243.
Dilated cardiomyopathy 1Z (CMD1Z). Identifiers: Orphanet 154, MedGen C2678475, MONDO:0012745, OMIM 611879.

Allele frequency attached by ClinVar (database versions not stated): gnomAD 0.00004; TOPMed 0.00005; ExAC 0.00006.
gnomAD v4.1: 52 of 1,612,746 alleles (0.0032%); highest among the groups gnomAD compares: Admixed American, 0.04%; no homozygotes.

Submissions (5):

Labcorp Genetics (formerly Invitae), Labcorp
Classification: Likely benign for Hypertrophic cardiomyopathy 13; Dilated cardiomyopathy 1Z. Last evaluated: 2025-12-01. Review status: criteria provided, single submitter. Criteria: Invitae Variant Classification Sherloc (09022015). Collection method: clinical testing. Allele origin: germline.

Molecular Diagnostic Laboratory for Inherited Cardiovascular Disease, Montreal Heart Institute
Classification: Likely benign. Last evaluated: 2025-07-24. Review status: criteria provided, single submitter. Criteria: ACMG Guidelines, 2015. Collection method: clinical testing. Allele origin: germline. Affected: no.

Blueprint Genetics
Classification: Likely benign. Last evaluated: 2023-12-28. Review status: criteria provided, single submitter. Criteria: ACMG Guidelines, 2015. Collection method: clinical testing. Allele origin: germline.

GeneDx
Classification: Benign. Last evaluated: 2015-06-01. Review status: criteria provided, single submitter. Criteria: GeneDx Variant Classification (06012015). Collection method: clinical testing. Allele origin: germline. Affected: yes.
Comment: This variant is considered likely benign or benign based on one or more of the following criteria: it is a conservative change, it occurs at a poorly conserved position in the protein, it is predicted to be benign by multiple in silico algorithms, and/or has population frequency not consistent with disease.

PreventionGenetics, part of Exact Sciences
Classification: Likely benign for TNNC1-related condition. Last evaluated: 2020-10-26. Review status: no assertion criteria provided. Collection method: clinical testing. Allele origin: germline. Not counted in ClinVar's aggregate classification.
Comment: This variant is classified as likely benign based on ACMG/AMP sequence variant interpretation guidelines (Richards et al. 2015 PMID: 25741868, with internal and published modifications).